The following is an entry in ClinVar:

ClinVar aggregate classification (germline): Uncertain significance (1 of 4 stars; one submission).

Conditions:
Multiple endocrine neoplasia, type 2 (MEN2). Identifiers: Orphanet 653, MedGen C4048306, MONDO:0019003. Disease mechanism: gain of function.

Submission:

Labcorp Genetics (formerly Invitae), Labcorp
Classification: Uncertain significance for Multiple endocrine neoplasia, type 2. Last evaluated: 2021-01-28. Review status: criteria provided, single submitter. Criteria: Invitae Variant Classification Sherloc (09022015). Collection method: clinical testing. Allele origin: germline.
Comment: In summary, the available evidence is currently insufficient to determine the role of this variant in disease. Therefore, it has been classified as a Variant of Uncertain Significance. Algorithms developed to predict the effect of missense changes on protein structure and function output the following: SIFT: "Tolerated"; PolyPhen-2: "Benign"; Align-GVGD: "Class C0". The alanine amino acid residue is found in multiple mammalian species, suggesting that this missense change does not adversely affect protein function. These predictions have not been confirmed by published functional studies and their clinical significance is uncertain. This variant has not been reported in the literature in individuals with RET-related conditions. This variant is not present in population databases (ExAC no frequency). This sequence change replaces threonine with alanine at codon 488 of the RET protein (p.Thr488Ala). The threonine residue is moderately conserved and there is a small physicochemical difference between threonine and alanine.

NM_020975.6(RET):c.1462A>G (p.Thr488Ala)

Gene: RET (ret proto-oncogene; plus strand). Cytogenetic location: 10q11.21.
Variant type: single nucleotide variant.
Coding change: c.1462A>G on transcript NM_020975.6 (MANE Select); coding-DNA position 1462, A replaced by G.
Protein change: p.Thr488Ala; replaces threonine 488 with alanine.
Molecular consequence: missense variant.
Genome position (GRCh38, 1-based): chr10:43,111,405, A>G. VCF-style: chr10-43111405-A-G. GRCh37 (hg19) VCF-style: chr10-43606853-A-G.
Other names: c.1462A>G, p.Thr488Ala (NM_000323.2, NM_001406743.1, NM_001406744.1 and 6 more transcripts); c.700A>G, p.Thr234Ala (NM_001355216.2); c.1333A>G, p.Thr445Ala (NM_001406761.1, NM_001406762.1, NM_001406764.1 and 1 more transcripts); c.1174A>G, p.Thr392Ala (NM_001406766.1, NM_001406767.1, NM_001406770.1); c.1066A>G, p.Thr356Ala (NM_001406769.1, NM_001406772.1); c.1024A>G, p.Thr342Ala (NM_001406771.1, NM_001406773.1); c.937A>G, p.Thr313Ala (NM_001406774.1); c.736A>G, p.Thr246Ala (NM_001406775.1, NM_001406776.1, NM_001406777.1 and 1 more transcripts); and 1 more; short protein forms T234A, T488A, T246A, T313A, T342A, T356A, T445A, T158A.
Identifiers: ClinVar variation 1480095 (VCV001480095.9), dbSNP rs753733901, ClinGen allele CA376549748.